The following is an entry in ClinVar:

ClinVar aggregate classification (germline): Uncertain significance. Review status: criteria provided, multiple submitters, no conflicts (2 of 4 stars). 2 submissions from 2 submitters: Uncertain significance (2). Last evaluated 2025-09-10.

Conditions:
Inborn genetic diseases. Identifiers: MedGen C0950123, MeSH D030342.
Cortical dysplasia-focal epilepsy syndrome (PTHSL1). Also called: Pitt-Hopkins-like syndrome 1. Identifiers: Orphanet 163681, Orphanet 221150, MedGen C2750246, MONDO:0012400, OMIM 610042.

Allele frequency attached by ClinVar (database versions not stated): gnomAD exomes below 0.00001; TOPMed below 0.00001.
gnomAD v4.1: 2 of 1,600,070 alleles (0.00012%); highest among the groups gnomAD compares: Non-Finnish European, 0.00017%; no homozygotes.

Submissions (2):

Ambry Genetics
Classification: Uncertain significance for Inborn genetic diseases. Last evaluated: 2025-09-10. Review status: criteria provided, single submitter. Criteria: Ambry Variant Classification Scheme 2023. Collection method: clinical testing. Allele origin: germline.

Labcorp Genetics (formerly Invitae), Labcorp
Classification: Uncertain significance for Cortical dysplasia-focal epilepsy syndrome. Last evaluated: 2025-05-05. Review status: criteria provided, single submitter. Criteria: Invitae Variant Classification Sherloc (09022015). Collection method: clinical testing. Allele origin: germline.
Comment: This sequence change replaces alanine, which is neutral and non-polar, with threonine, which is neutral and polar, at codon 1241 of the CNTNAP2 protein (p.Ala1241Thr). This variant is not present in population databases (gnomAD no frequency). This variant has not been reported in the literature in individuals affected with CNTNAP2-related conditions. ClinVar contains an entry for this variant (Variation ID: 1400258). An algorithm developed to predict the effect of missense changes on protein structure and function (PolyPhen-2) suggests that this variant is likely to be tolerated. In summary, the available evidence is currently insufficient to determine the role of this variant in disease. Therefore, it has been classified as a Variant of Uncertain Significance.

NM_014141.6(CNTNAP2):c.3721G>A (p.Ala1241Thr)

Gene: CNTNAP2 (contactin associated protein 2; plus strand). Cytogenetic location: 7q36.1.
Variant type: single nucleotide variant.
Coding change: c.3721G>A on transcript NM_014141.6 (MANE Select); coding-DNA position 3721, G replaced by A.
Protein change: p.Ala1241Thr; replaces alanine 1241 with threonine.
Molecular consequence: missense variant.
Genome position (GRCh38, 1-based): chr7:148,409,396, G>A. VCF-style: chr7-148409396-G-A. GRCh37 (hg19) VCF-style: chr7-148106488-G-A.
Other names: c.3721G>A (NM_014141.5); short protein forms A1241T.
Identifiers: ClinVar variation 1400258 (VCV001400258.6), dbSNP rs1323109339, ClinGen allele CA369706469.
Genomic context (GRCh38, chr7:148,409,396, plus strand): 5'-ATTTGGGATCAATAGTATACTTGACTCTGACACTTGACTCTTTCTTTCTCTACAGCCAGT[G>A]CGGATTTTCCATATAATCCAGGACAAGGCCAAGCTATAAGAAATGGAGTCAACAGAAACT-3'
Protein context (NP_054860.1, residues 1231-1251): WHLDHLDSAS[Ala1241Thr]DFPYNPGQGQ